The following is an entry in ClinVar:

NM_001378211.1(SHOC1):c.2505C>T (p.Val835=)

Gene: SHOC1 (shortage in chiasmata 1; minus strand). Cytogenetic location: 9q31.3.
Variant type: single nucleotide variant.
Coding change: c.2505C>T on transcript NM_001378211.1 (MANE Select); coding-DNA position 2505, C replaced by T.
Protein change: p.Val835=; no amino-acid change (valine 835 retained).
Molecular consequence: synonymous variant. On other transcripts: non-coding transcript variant (1).
Genome position (GRCh38, 1-based): chr9:111,707,908, G>A on the plus strand (C>T on the coding strand, the complement: SHOC1 is on the minus strand). VCF-style: chr9-111707908-G-A. GRCh37 (hg19) VCF-style: chr9-114470188-G-A.
Other names: c.2196C>T, p.Val732= (NM_001080551.3); c.2091C>T, p.Val697= (NM_001378212.1); c.2313C>T, p.Val771= (NM_173521.5).
Identifiers: ClinVar variation 2571336 (VCV002571336.27), dbSNP rs151177644, ClinGen allele CA5188486.

ClinVar aggregate classification (germline): Likely benign (1 of 4 stars; one submission).

Allele frequency attached by ClinVar (database versions not stated): 1000 Genomes Project 30x 0.00078; 1000 Genomes Project 0.00080; gnomAD 0.00210; TOPMed 0.00220; ExAC 0.00255; ESP Exome Variant Server 0.00308.
gnomAD v4.1: 4,458 of 1,578,336 alleles (0.28%); highest among the groups gnomAD compares: South Asian, 0.59%; 12 homozygotes.

Submission:

CeGaT Center for Human Genetics Tuebingen
Classification: Likely benign. Last evaluated: 2023-09-01. Review status: criteria provided, single submitter. Criteria: CeGaT Center For Human Genetics Tuebingen Variant Classification Criteria Version 2. Collection method: clinical testing. Allele origin: germline. Affected: yes. Observed: 4 variant alleles.
Comment: SHOC1: BP4, BP7, BS2